The following is an entry in ClinVar:

NM_000540.3(RYR1):c.10186G>T (p.Asp3396Tyr)

Gene: RYR1 (ryanodine receptor 1; plus strand). Cytogenetic location: 19q13.2.
Variant type: single nucleotide variant.
Coding change: c.10186G>T on transcript NM_000540.3 (MANE Select); coding-DNA position 10186, G replaced by T.
Protein change: p.Asp3396Tyr; replaces aspartic acid 3396 with tyrosine.
Molecular consequence: missense variant.
Genome position (GRCh38, 1-based): chr19:38,519,381, G>T. VCF-style: chr19-38519381-G-T. GRCh37 (hg19) VCF-style: chr19-39010021-G-T.
Other names: c.10186G>T, p.Asp3396Tyr (NM_001042723.2); short protein forms D3396Y.
Identifiers: ClinVar variation 3070664 (VCV003070664.4), dbSNP rs766380592, ClinGen allele CA052544.

ClinVar aggregate classification (germline): Uncertain significance. Review status: criteria provided, multiple submitters, no conflicts (2 of 4 stars). 3 submissions from 3 submitters: Uncertain significance (3). Last evaluated 2025-11-03.

Conditions:
Malignant hyperthermia, susceptibility to, 1 (MHS1). Also called: Anesthesia related hyperthermia; Malignant hyperpyrexia; Fulminating hyperpyrexia; Pharmacogenic myopathy; RYR1-Related Malignant Hyperthermia Susceptibility; Malignant hyperthermia suceptibility 1. Identifiers: Orphanet 423, MedGen C2930980, MONDO:0007783, OMIM 145600.
RYR1-related disorder. Also called: RYR1-related condition; RYR1-related disorders. Identifiers: MedGen CN239331.

Allele frequency attached by ClinVar (database versions not stated): ExAC 0.00001; gnomAD 0.00001; gnomAD exomes 0.00001; TOPMed 0.00001.
gnomAD v4.1: 15 of 1,606,686 alleles (0.00093%); highest among the groups gnomAD compares: Admixed American, 0.01%; no homozygotes.

Submissions (3):

Labcorp Genetics (formerly Invitae), Labcorp
Classification: Uncertain significance for RYR1-related disorder. Last evaluated: 2025-11-03. Review status: criteria provided, single submitter. Criteria: Invitae Variant Classification Sherloc (09022015). Collection method: clinical testing. Allele origin: germline.
Comment: This sequence change replaces aspartic acid, which is acidic and polar, with tyrosine, which is neutral and polar, at codon 3396 of the RYR1 protein (p.Asp3396Tyr). This variant is present in population databases (rs766380592, gnomAD 0.009%). This variant has not been reported in the literature in individuals affected with RYR1-related conditions. ClinVar contains an entry for this variant (Variation ID: 3070664). Invitae Evidence Modeling of protein sequence and biophysical properties (such as structural, functional, and spatial information, amino acid conservation, physicochemical variation, residue mobility, and thermodynamic stability) indicates that this missense variant is not expected to disrupt RYR1 protein function with a negative predictive value of 80%. In summary, the available evidence is currently insufficient to determine the role of this variant in disease. Therefore, it has been classified as a Variant of Uncertain Significance.

GeneDx
Classification: Uncertain significance. Last evaluated: 2024-12-11. Review status: criteria provided, single submitter. Criteria: GeneDx Variant Classification Process June 2021. Collection method: clinical testing. Allele origin: germline. Affected: yes.
Comment: Not observed at significant frequency in large population cohorts (gnomAD); In silico analysis supports that this missense variant has a deleterious effect on protein structure/function; Has not been previously published as pathogenic or benign to our knowledge

All of Us Research Program, National Institutes of Health
Classification: Uncertain significance for Malignant hyperthermia, susceptibility to, 1. Last evaluated: 2023-05-04. Review status: criteria provided, single submitter. Criteria: ACMG Guidelines, 2015. Collection method: clinical testing. Allele origin: germline. Inheritance: Autosomal dominant inheritance. Observed: 1 variant allele, 1 heterozygote.
Comment: This missense variant replaces aspartic acid with tyrosine at codon 3396 of the RYR1 protein. Computational prediction suggests that this variant may have deleterious impact on protein structure and function (internally defined REVEL score threshold >= 0.7, PMID: 27666373). To our knowledge, functional studies have not been reported for this variant. This variant has not been reported in individuals affected with RYR1-related disorders in the literature. This variant has been identified in 5/265240 chromosomes in the general population by the Genome Aggregation Database (gnomAD). The available evidence is insufficient to determine the role of this variant in disease conclusively. Therefore, this variant is classified as a Variant of Uncertain Significance.

This study involves interpretation of variants in research participants for the purpose of population health screening. Participant phenotype was not available at the time of variant classification. Additional details can be found in publication PMID: 35346344, PMCID: PMC8962531